The following is an entry in ClinVar:

NM_001130987.2(DYSF):c.5003+1393G>A

Gene: DYSF (dysferlin; plus strand). Cytogenetic location: 2p13.2.
Variant type: single nucleotide variant.
Coding change: c.5003+1393G>A on transcript NM_001130987.2 (MANE Select); 1393 bases into the intron after coding-DNA position 5003, G replaced by A.
Molecular consequence: intron variant.
Genome position (GRCh38, 1-based): chr2:71,662,044, G>A. VCF-style: chr2-71662044-G-A. GRCh37 (hg19) VCF-style: chr2-71889174-G-A.
Other names: c.4979+1393G>A (NM_001130979.2); c.5000+1393G>A (NM_001130981.2); c.4937+1393G>A (NM_001130980.2); c.4949+1393G>A (NM_001130978.2); c.4886+1393G>A (NM_003494.4); c.4907+1393G>A (NM_001130977.2); c.4844+1393G>A (NM_001130976.2); c.4982+1393G>A (NM_001130982.2); and 5 more.
Identifiers: ClinVar variation 671732 (VCV000671732.1), dbSNP rs72904647, ClinGen allele CA15201570.

ClinVar aggregate classification (germline): Benign (1 of 4 stars; one submission).

Allele frequency attached by ClinVar (database versions not stated): gnomAD 0.05560 and 0.05957; 1000 Genomes Project 0.05631; 1000 Genomes Project 30x 0.06074; TOPMed 0.06309.
gnomAD v4.1: 8,349 of 152,168 alleles (5.5%); highest among the groups gnomAD compares: African/African-American, 19%; 798 homozygotes.

Submission:

GeneDx
Classification: Benign. Last evaluated: 2018-06-18. Review status: criteria provided, single submitter. Criteria: GeneDx Variant Classification (06012015). Collection method: clinical testing. Allele origin: germline. Affected: yes.
Comment: This variant is considered likely benign or benign based on one or more of the following criteria: it is a conservative change, it occurs at a poorly conserved position in the protein, it is predicted to be benign by multiple in silico algorithms, and/or has population frequency not consistent with disease.